The following is an entry in ClinVar:

NM_006030.4(CACNA2D2):c.3158C>T (p.Pro1053Leu)

Genes: CACNA2D2 (calcium voltage-gated channel auxiliary subunit alpha2delta 2; minus strand), LOC127898564 (CYB561D2-LOC101928965; plus strand). Cytogenetic location: 3p21.31.
Variant type: single nucleotide variant.
Coding change: c.3158C>T on transcript NM_006030.4 (MANE Select); coding-DNA position 3158, C replaced by T.
Protein change: p.Pro1053Leu; replaces proline 1053 with leucine.
Molecular consequence: missense variant.
Genome position (GRCh38, 1-based): chr3:50,365,125, G>A on the plus strand (C>T on the coding strand, the complement: CACNA2D2 is on the minus strand). VCF-style: chr3-50365125-G-A. GRCh37 (hg19) VCF-style: chr3-50402556-G-A.
Other names: c.3158C>T, p.Pro1053Leu (NM_001005505.3); c.3179C>T, p.Pro1060Leu (NM_001174051.3); c.2951C>T, p.Pro984Leu (NM_001291101.1); c.3179C>T (NM_001174051.1); short protein forms P1060L, P1053L, P984L.
Identifiers: ClinVar variation 530507 (VCV000530507.9), dbSNP rs757572722, ClinGen allele CA2418200.
Genomic context (GRCh38, chr3:50,365,125, plus strand): 5'-GGCAGGATACAGTGCGTCTCCTTCTGCAGCAGCCGGCCAGCCTCGCACTGGCTGCACAGC[G>A]GCTTCTCGGCCACCACAAAGAGAAGATTGGTGTTGGTCAGTCTCTGCGCGTGGAACAGCC-3'
Protein context (NP_006021.2, residues 1043-1063): TNLLFVVAEK[Pro1053Leu]LCSQCEAGRL

ClinVar aggregate classification (germline): Uncertain significance. Review status: criteria provided, multiple submitters, no conflicts (2 of 4 stars). 2 submissions from 2 submitters: Uncertain significance (2). Last evaluated 2025-08-18.

Conditions:
Early-infantile DEE. Also called: Ohtahara syndrome; Early infantile epileptic encephalopathy with suppression bursts; Early infantile epileptic encephalopathy. Identifiers: Orphanet 1934, MedGen C0393706, MONDO:0800491.
Inborn genetic diseases. Identifiers: MedGen C0950123, MeSH D030342.

Allele frequency attached by ClinVar (database versions not stated): TOPMed 0.00003; gnomAD exomes 0.00005; gnomAD 0.00002 and 0.00003; ExAC 0.00007.
gnomAD v4.1: 21 of 1,612,140 alleles (0.0013%); highest among the groups gnomAD compares: Admixed American, 0.022%; no homozygotes.

Submissions (2):

Labcorp Genetics (formerly Invitae), Labcorp
Classification: Uncertain significance for Early-infantile DEE. Last evaluated: 2025-08-18. Review status: criteria provided, single submitter. Criteria: Invitae Variant Classification Sherloc (09022015). Collection method: clinical testing. Allele origin: germline.
Comment: This sequence change replaces proline, which is neutral and non-polar, with leucine, which is neutral and non-polar, at codon 1053 of the CACNA2D2 protein (p.Pro1053Leu). This variant is present in population databases (rs757572722, gnomAD 0.03%). This variant has not been reported in the literature in individuals affected with CACNA2D2-related conditions. ClinVar contains an entry for this variant (Variation ID: 530507). An algorithm developed to predict the effect of missense changes on protein structure and function (PolyPhen-2) suggests that this variant is likely to be tolerated. In summary, the available evidence is currently insufficient to determine the role of this variant in disease. Therefore, it has been classified as a Variant of Uncertain Significance.

Ambry Genetics
Classification: Uncertain significance for Inborn genetic diseases. Last evaluated: 2025-04-25. Review status: criteria provided, single submitter. Criteria: Ambry Variant Classification Scheme 2023. Collection method: clinical testing. Allele origin: germline.